The following is an entry in ClinVar:

ClinVar aggregate classification (germline): Benign (1 of 4 stars; one submission).

Conditions:
Exudative vitreoretinopathy 1 (EVR1). Also called: CRISWICK-SCHEPENS SYNDROME; FEVR, AUTOSOMAL DOMINANT; Familial exudative vitreoretinopathy, autosomal dominant. Identifiers: Orphanet 891, Orphanet 90050, MedGen C1851402, MONDO:0007589, OMIM 133780.

Allele frequency attached by ClinVar (database versions not stated): gnomAD 0.00619 and 0.00664; TOPMed 0.00706; 1000 Genomes Project 0.00739; 1000 Genomes Project 30x 0.00765.

Submission:

Illumina Laboratory Services, Illumina
Classification: Benign for Exudative vitreoretinopathy 1. Last evaluated: 2018-01-13. Review status: criteria provided, single submitter. Criteria: ICSL Variant Classification Criteria 13 December 2019. Collection method: clinical testing. Allele origin: germline.
Comment: This variant was observed in the ICSL laboratory as part of a predisposition screen in an ostensibly healthy population. It had not been previously curated by ICSL or reported in the Human Gene Mutation Database (HGMD: prior to June 1st, 2018), and was therefore a candidate for classification through an automated scoring system. Utilizing variant allele frequency, disease prevalence and penetrance estimates, and inheritance mode, an automated score was calculated to assess if this variant is too frequent to cause the disease. Based on the score and internal cut-off values, a variant classified as benign is not then subjected to further curation. The score for this variant resulted in a classification of benign for this disease.

NM_012193.4(FZD4):c.*827A>G

Genes: PRSS23 (serine protease 23; plus strand), FZD4 (frizzled class receptor 4; minus strand). Cytogenetic location: 11q14.2.
Variant type: single nucleotide variant.
Coding change: c.*827A>G on transcript NM_012193.4 (MANE Select); 827 bases downstream of the stop codon, A replaced by G.
Molecular consequence: 3 prime UTR variant.
Genome position (GRCh38, 1-based): chr11:86,950,315, T>C on the plus strand (A>G on the coding strand, the complement: FZD4 is on the minus strand). VCF-style: chr11-86950315-T-C. GRCh37 (hg19) VCF-style: chr11-86661357-T-C.
Identifiers: ClinVar variation 306389 (VCV000306389.5), dbSNP rs61088092, ClinGen allele CA10635827.